The following is an entry in ClinVar:

ClinVar aggregate classification (germline): Likely benign (0 of 4 stars; one submission).

Conditions:
TRH-related disorder. Also called: TRH-related condition.

Allele frequency attached by ClinVar (database versions not stated): gnomAD 0.00004; TOPMed 0.00008; ExAC 0.00016.

Submission:

PreventionGenetics, part of Exact Sciences
Classification: Likely benign for TRH-related condition. Last evaluated: 2022-08-29. Review status: no assertion criteria provided. Collection method: clinical testing. Allele origin: germline.
Comment: This variant is classified as likely benign based on ACMG/AMP sequence variant interpretation guidelines (Richards et al. 2015 PMID: 25741868, with internal and published modifications).

NM_007117.5(TRH):c.618G>A (p.Ala206=)

Gene: TRH (thyrotropin releasing hormone; plus strand). Cytogenetic location: 3q22.1.
Variant type: single nucleotide variant.
Coding change: c.618G>A on transcript NM_007117.5 (MANE Select); coding-DNA position 618, G replaced by A.
Protein change: p.Ala206=; no amino-acid change (alanine 206 retained).
Molecular consequence: synonymous variant.
Genome position (GRCh38, 1-based): chr3:129,977,105, G>A. VCF-style: chr3-129977105-G-A. GRCh37 (hg19) VCF-style: chr3-129695948-G-A.
Identifiers: ClinVar variation 3046852 (VCV003046852.2), dbSNP rs200447245, ClinGen allele CA2610080.